The following is an entry in ClinVar:

NM_001321120.2(TBX4):c.1213G>A (p.Val405Met)

Gene: TBX4 (T-box transcription factor 4; plus strand). Cytogenetic location: 17q23.2.
Variant type: single nucleotide variant.
Coding change: c.1213G>A on transcript NM_001321120.2 (MANE Select); coding-DNA position 1213, G replaced by A.
Protein change: p.Val405Met; replaces valine 405 with methionine.
Molecular consequence: missense variant.
Genome position (GRCh38, 1-based): chr17:61,483,088, G>A. VCF-style: chr17-61483088-G-A. GRCh37 (hg19) VCF-style: chr17-59560449-G-A.
Other names: c.1210G>A, p.Val404Met (NM_018488.3); short protein forms V404M, V405M.
Identifiers: ClinVar variation 2921022 (VCV002921022.1), dbSNP rs1203492219, ClinGen allele CA400475868.
Genomic context (GRCh38, chr17:61,483,088, plus strand): 5'-AGTGAGGTGACCCCCAGAGAAGCATGTATGTACTCAGGTTCAGGGCCCGAGATTGCCGGG[G>A]TGTCTGGGGTGGACGACCTGCCCCCACCTCCGCTGAGCTGTAACATGTGGACTTCAGTGT-3'
Protein context (NP_001308049.1, residues 395-415): YSGSGPEIAG[Val405Met]SGVDDLPPPP

ClinVar aggregate classification (germline): Uncertain significance (1 of 4 stars; one submission).

Allele frequency attached by ClinVar (database versions not stated): gnomAD 0.00001.
gnomAD v4.1: 13 of 1,614,004 alleles (0.00081%); highest among the groups gnomAD compares: Non-Finnish European, 0.00093%; no homozygotes.

Submission:

ARUP Laboratories, Molecular Genetics and Genomics, ARUP Laboratories
Classification: Uncertain significance. Last evaluated: 2023-08-18. Review status: criteria provided, single submitter. Criteria: ARUP Molecular Germline Variant Investigation Process 2024. Collection method: clinical testing. Allele origin: germline.
Comment: The TBX4 c.1210G>A; p.Val404Met variant (rs1203492219), to our knowledge, is not reported in the medical literature or gene specific databases. This variant is only found on two alleles in the Genome Aggregation Database, indicating it is not a common polymorphism. Computational analyses are uncertain whether this variant is neutral or deleterious (REVEL: 0.171). Due to limited information, the clinical significance of this variant is uncertain at this time.